The following is an entry in ClinVar:

NM_000274.4(OAT):c.158A>G (p.His53Arg)

Gene: OAT (ornithine aminotransferase; minus strand). Cytogenetic location: 10q26.13.
Variant type: single nucleotide variant.
Coding change: c.158A>G on transcript NM_000274.4 (MANE Select); coding-DNA position 158, A replaced by G.
Protein change: p.His53Arg; replaces histidine 53 with arginine.
Molecular consequence: missense variant. On other transcripts: intron variant (2).
Genome position (GRCh38, 1-based): chr10:124,412,014, T>C on the plus strand (A>G on the coding strand, the complement: OAT is on the minus strand). VCF-style: chr10-124412014-T-C. GRCh37 (hg19) VCF-style: chr10-126100583-T-C.
Other names: c.158A>G, p.His53Arg (NM_001322965.2, NM_001322966.2, NM_001322967.2 and 4 more transcripts); c.-215-3049A>G (NM_001171814.2); c.-515-3049A>G (NM_001322974.2); short protein forms H53R.
Identifiers: ClinVar variation 2198049 (VCV002198049.1), dbSNP rs752924079, ClinGen allele CA5733601.
Genomic context (GRCh38, chr10:124,412,014, plus strand): 5'-GGATTAATTTGAAACGTACCTTTTCCTCTCTCCAGGGCTACAGGTAAAGGATGGTAGTTG[T>C]GTGCACCATACTTATATTCCCTTTCAAAAATGTCATCAGAGGTTGGAGGGCCTTGGACTG-3'
Protein context (NP_000265.1, residues 43-63): IFEREYKYGA[His53Arg]NYHPLPVALE

ClinVar aggregate classification (germline): Uncertain significance (1 of 4 stars; one submission).

Conditions:
Ornithine aminotransferase deficiency (GACR). Also called: Ornithine ketoacid aminotransferase deficiency; Gyrate atrophy; Gyrate atrophy of choroid and retina; Girate atrophy of the retina; HYPERORNITHINEMIA WITH GYRATE ATROPHY OF CHOROID AND RETINA; OAT DEFICIENCY. Identifiers: Orphanet 414, MedGen C0018425, MONDO:0009796, OMIM 258870.

Allele frequency attached by ClinVar (database versions not stated): gnomAD exomes below 0.00001; gnomAD 0.00002; ExAC 0.00003; TOPMed 0.00003.
gnomAD v4.1: 8 of 1,614,122 alleles (0.0005%); highest among the groups gnomAD compares: East Asian, 0.016%; no homozygotes.

Submission:

Labcorp Genetics (formerly Invitae), Labcorp
Classification: Uncertain significance for Ornithine aminotransferase deficiency. Last evaluated: 2022-05-24. Review status: criteria provided, single submitter. Criteria: Invitae Variant Classification Sherloc (09022015). Collection method: clinical testing. Allele origin: germline.
Comment: This sequence change replaces histidine, which is basic and polar, with arginine, which is basic and polar, at codon 53 of the OAT protein (p.His53Arg). This variant is present in population databases (rs752924079, gnomAD 0.02%). This variant has not been reported in the literature in individuals affected with OAT-related conditions. Algorithms developed to predict the effect of missense changes on protein structure and function (SIFT, PolyPhen-2, Align-GVGD) all suggest that this variant is likely to be disruptive. In summary, the available evidence is currently insufficient to determine the role of this variant in disease. Therefore, it has been classified as a Variant of Uncertain Significance.